The following is an entry in ClinVar:

ClinVar aggregate classification (germline): Uncertain significance (1 of 4 stars; one submission).

Conditions:
Joubert syndrome 21 (JBTS21). Identifiers: MedGen C3810212, MONDO:0014288, OMIM 615636.

Submission:

Labcorp Genetics (formerly Invitae), Labcorp
Classification: Uncertain significance for Joubert syndrome 21. Last evaluated: 2020-06-01. Review status: criteria provided, single submitter. Criteria: Invitae Variant Classification Sherloc (09022015). Collection method: clinical testing. Allele origin: germline.
Comment: This sequence change replaces asparagine with serine at codon 651 of the CSPP1 protein (p.Asn651Ser). The asparagine residue is highly conserved and there is a small physicochemical difference between asparagine and serine. This variant is not present in population databases (ExAC no frequency). In summary, the available evidence is currently insufficient to determine the role of this variant in disease. Therefore, it has been classified as a Variant of Uncertain Significance. Algorithms developed to predict the effect of missense changes on protein structure and function are either unavailable or do not agree on the potential impact of this missense change (SIFT: "Tolerated"; PolyPhen-2: "Possibly Damaging"; Align-GVGD: "Class C0"). This variant has not been reported in the literature in individuals with CSPP1-related conditions.

NM_001382391.1(CSPP1):c.1967A>G (p.Asn656Ser)

Gene: CSPP1 (centrosome and spindle pole associated protein 1; plus strand). Cytogenetic location: 8q13.2.
Variant type: single nucleotide variant.
Coding change: c.1967A>G on transcript NM_001382391.1 (MANE Select); coding-DNA position 1967, A replaced by G.
Protein change: p.Asn656Ser; replaces asparagine 656 with serine.
Molecular consequence: missense variant.
Genome position (GRCh38, 1-based): chr8:67,137,595, A>G. VCF-style: chr8-67137595-A-G. GRCh37 (hg19) VCF-style: chr8-68049830-A-G.
Other names: c.1070A>G, p.Asn357Ser (NM_001291339.2); c.1886A>G, p.Asn629Ser (NM_001363131.2); c.1925A>G, p.Asn642Ser (NM_001363132.2); c.1844A>G, p.Asn615Ser (NM_001363133.2); c.2033A>G, p.Asn678Ser (NM_001364869.1); c.1853A>G, p.Asn618Ser (NM_001364870.1); c.1952A>G, p.Asn651Ser (NM_024790.7); short protein forms N357S, N615S, N618S, N629S, N642S, N651S, N656S, N678S.
Identifiers: ClinVar variation 1005799 (VCV001005799.8), dbSNP rs1822608915, ClinGen allele CA371206076.